The following is an entry in ClinVar:

NM_004370.6(COL12A1):c.5065T>G (p.Trp1689Gly)

Gene: COL12A1 (collagen type XII alpha 1 chain; minus strand). Cytogenetic location: 6q13.
Variant type: single nucleotide variant.
Coding change: c.5065T>G on transcript NM_004370.6 (MANE Select); coding-DNA position 5065, T replaced by G.
Protein change: p.Trp1689Gly; replaces tryptophan 1689 with glycine.
Molecular consequence: missense variant.
Genome position (GRCh38, 1-based): chr6:75,138,854, A>C on the plus strand (T>G on the coding strand, the complement: COL12A1 is on the minus strand). VCF-style: chr6-75138854-A-C. GRCh37 (hg19) VCF-style: chr6-75848570-A-C.
Other names: c.1573T>G, p.Trp525Gly (NM_080645.3); short protein forms W1689G, W525G.
Identifiers: ClinVar variation 2440215 (VCV002440215.4), dbSNP rs2533320281, ClinGen allele CA364739580.

ClinVar aggregate classification (germline): Uncertain significance. Review status: criteria provided, multiple submitters, no conflicts (2 of 4 stars). 2 submissions from 2 submitters: Uncertain significance (2). Last evaluated 2025-09-10.

Conditions:
Bethlem myopathy 2 (BTHLM2). Identifiers: Orphanet 536516, Orphanet 610, MedGen C4225313, MONDO:0034022, OMIM 616471.
Ullrich congenital muscular dystrophy 2 (UCMD2). Identifiers: Orphanet 75840, MedGen C4225314, MONDO:0014654, OMIM 616470.

Submissions (2):

Labcorp Genetics (formerly Invitae), Labcorp
Classification: Uncertain significance for Bethlem myopathy 2; Ullrich congenital muscular dystrophy 2. Last evaluated: 2025-09-10. Review status: criteria provided, single submitter. Criteria: Invitae Variant Classification Sherloc (09022015). Collection method: clinical testing. Allele origin: germline.
Comment: This sequence change replaces tryptophan, which is neutral and slightly polar, with glycine, which is neutral and non-polar, at codon 1689 of the COL12A1 protein (p.Trp1689Gly). This variant is not present in population databases (gnomAD no frequency). This variant has not been reported in the literature in individuals affected with COL12A1-related conditions. ClinVar contains an entry for this variant (Variation ID: 2440215). Invitae Evidence Modeling of protein sequence and biophysical properties (such as structural, functional, and spatial information, amino acid conservation, physicochemical variation, residue mobility, and thermodynamic stability) has been performed for this missense variant. However, the output from this modeling did not meet the statistical confidence thresholds required to predict the impact of this variant on COL12A1 protein function. In summary, the available evidence is currently insufficient to determine the role of this variant in disease. Therefore, it has been classified as a Variant of Uncertain Significance.

Revvity Omics, Revvity
Classification: Uncertain significance. Last evaluated: 2020-03-16. Review status: criteria provided, single submitter. Criteria: ACMG Guidelines, 2015. Collection method: clinical testing. Allele origin: germline.